The following is an entry in ClinVar:

NC_000022.11:g.40346381A>C

Gene: ADSL (adenylosuccinate lyase; plus strand). Cytogenetic location: 22q13.1.
Variant type: single nucleotide variant.
Genome position: GRCh38 VCF-style: chr22-40346381-A-C. GRCh37 (hg19) VCF-style: chr22-40742385-A-C.
Identifiers: ClinVar variation 1380302 (VCV001380302.3), dbSNP rs771316335, ClinGen allele CA324446830.

ClinVar aggregate classification (germline): Uncertain significance (1 of 4 stars; one submission).

Conditions:
Adenylosuccinate lyase deficiency (ADSLD). Also called: ADSL DEFICIENCY. Identifiers: Orphanet 46, MedGen C0268126, MONDO:0007068, OMIM 103050.

Allele frequency attached by ClinVar (database versions not stated): TOPMed 0.00006; gnomAD 0.00009; gnomAD exomes 0.00014.

Submission:

Labcorp Genetics (formerly Invitae), Labcorp
Classification: Uncertain significance for Adenylosuccinate lyase deficiency. Last evaluated: 2022-09-27. Review status: criteria provided, single submitter. Criteria: Invitae Variant Classification Sherloc (09022015). Collection method: clinical testing. Allele origin: germline.
Comment: This variant occurs in a non-coding region of the ADSL gene. It does not change the encoded amino acid sequence of the ADSL protein. This variant is present in population databases (rs771316335, gnomAD 0.03%). This variant has not been reported in the literature in individuals affected with ADSL-related conditions. Experimental studies and prediction algorithms are not available or were not evaluated, and the functional significance of this variant is currently unknown. In summary, the available evidence is currently insufficient to determine the role of this variant in disease. Therefore, it has been classified as a Variant of Uncertain Significance.